The following is an entry in ClinVar:

ClinVar aggregate classification (germline): Uncertain significance (1 of 4 stars; one submission).

gnomAD v4.1: 2 of 1,613,728 alleles (0.00012%); highest among the groups gnomAD compares: Non-Finnish European, 0.00017%; no homozygotes.

Submission:

Labcorp Genetics (formerly Invitae), Labcorp
Classification: Uncertain significance. Last evaluated: 2025-09-28. Review status: criteria provided, single submitter. Criteria: Invitae Variant Classification Sherloc (09022015). Collection method: clinical testing. Allele origin: germline.
Comment: This sequence change replaces methionine, which is neutral and non-polar, with isoleucine, which is neutral and non-polar, at codon 2410 of the ATR protein (p.Met2410Ile). This variant is present in population databases (no rsID available, gnomAD 0.007%). This variant has not been reported in the literature in individuals affected with ATR-related conditions. An algorithm developed to predict the effect of missense changes on protein structure and function (PolyPhen-2) suggests that this variant is likely to be tolerated. In summary, the available evidence is currently insufficient to determine the role of this variant in disease. Therefore, it has been classified as a Variant of Uncertain Significance.

NM_001184.4(ATR):c.7230G>A (p.Met2410Ile)

Gene: ATR (ATR checkpoint kinase; minus strand). Cytogenetic location: 3q23.
Variant type: single nucleotide variant.
Coding change: c.7230G>A on transcript NM_001184.4 (MANE Select); coding-DNA position 7230, G replaced by A.
Protein change: p.Met2410Ile; replaces methionine 2410 with isoleucine.
Molecular consequence: missense variant.
Genome position (GRCh38, 1-based): chr3:142,459,346, C>T on the plus strand (G>A on the coding strand, the complement: ATR is on the minus strand). VCF-style: chr3-142459346-C-T. GRCh37 (hg19) VCF-style: chr3-142178188-C-T.
Other names: c.7038G>A, p.Met2346Ile (NM_001354579.2); short protein forms M2410I, M2346I.
Identifiers: ClinVar variation 4746442 (VCV004746442.1).